The following is an entry in ClinVar:

NM_002949.4(MRPL12):c.-30A>C

Gene: MRPL12 (mitochondrial ribosomal protein L12; plus strand). Cytogenetic location: 17q25.3.
Variant type: single nucleotide variant.
Coding change: c.-30A>C on transcript NM_002949.4 (MANE Select); 30 bases upstream of the start codon, A replaced by C.
Molecular consequence: 5 prime UTR variant.
Genome position (GRCh38, 1-based): chr17:81,703,472, A>C. VCF-style: chr17-81703472-A-C. GRCh37 (hg19) VCF-style: chr17-79670502-A-C.
Identifiers: ClinVar variation 380556 (VCV000380556.1), dbSNP rs550332320, ClinGen allele CA8841214.

ClinVar aggregate classification (germline): Likely benign (1 of 4 stars; one submission).

Allele frequency attached by ClinVar (database versions not stated): gnomAD below 0.00001 and 0.00007; TOPMed below 0.00001; 1000 Genomes Project 0.00020; 1000 Genomes Project 30x 0.00031; gnomAD exomes 0.00034; ExAC 0.00166.
gnomAD v4.1: 734 of 1,475,514 alleles (0.05%); highest among the groups gnomAD compares: South Asian, 0.2%; no homozygotes.

Submission:

GeneDx
Classification: Likely benign. Last evaluated: 2016-10-07. Review status: criteria provided, single submitter. Criteria: GeneDx Variant Classification (06012015). Collection method: clinical testing. Allele origin: germline. Affected: yes.
Comment: This variant is considered likely benign or benign based on one or more of the following criteria: it is a conservative change, it occurs at a poorly conserved position in the protein, it is predicted to be benign by multiple in silico algorithms, and/or has population frequency not consistent with disease.